The following is an entry in ClinVar:

NM_000388.4(CASR):c.2506G>C (p.Val836Leu)

Gene: CASR (calcium sensing receptor; plus strand). Cytogenetic location: 3q21.1.
Variant type: single nucleotide variant.
Coding change: c.2506G>C on transcript NM_000388.4 (MANE Select); coding-DNA position 2506, G replaced by C.
Protein change: p.Val836Leu; replaces valine 836 with leucine.
Molecular consequence: missense variant.
Genome position (GRCh38, 1-based): chr3:122,284,460, G>C. VCF-style: chr3-122284460-G-C. GRCh37 (hg19) VCF-style: chr3-122003307-G-C.
Other names: c.2536G>C, p.Val846Leu (NM_001178065.2); short protein forms V846L, V836L.
Identifiers: ClinVar variation 1517772 (VCV001517772.9), dbSNP rs2107650629, ClinGen allele CA354160100.

ClinVar aggregate classification (germline): Conflicting classifications of pathogenicity. Review status: criteria provided, conflicting classifications (1 of 4 stars). 2 submissions from 2 submitters: Likely pathogenic (1); Uncertain significance (1). Last evaluated 2022-10-08.

Conditions:
CASR-related disorder. Also called: CASR-related condition.
Autosomal dominant hypocalcemia 1 (HYPOC1). Also called: HYPOCALCEMIA, FAMILIAL. Identifiers: MedGen C3715128, MONDO:0011013, OMIM 601198.
Familial hypocalciuric hypercalcemia (FHH). Also called: Familial benign hypercalcemia. Identifiers: Orphanet 405, MedGen C1809471, MONDO:0018458.

Submissions (2):

Labcorp Genetics (formerly Invitae), Labcorp
Classification: Uncertain significance for Familial hypocalciuric hypercalcemia; Autosomal dominant hypocalcemia 1. Last evaluated: 2022-10-08. Review status: criteria provided, single submitter. Criteria: Invitae Variant Classification Sherloc (09022015). Collection method: clinical testing. Allele origin: germline.
Comment: Algorithms developed to predict the effect of missense changes on protein structure and function are either unavailable or do not agree on the potential impact of this missense change (SIFT: "Deleterious"; PolyPhen-2: "Probably Damaging"; Align-GVGD: "Class C0"). ClinVar contains an entry for this variant (Variation ID: 1517772). This missense change has been observed in individual(s) with CASR-related conditions (PMID: 15591042, 34008892). This variant is not present in population databases (gnomAD no frequency). This sequence change replaces valine, which is neutral and non-polar, with leucine, which is neutral and non-polar, at codon 836 of the CASR protein (p.Val836Leu). Experimental studies have shown that this missense change affects CASR function (PMID: 15591042, 22798347). In summary, the available evidence is currently insufficient to determine the role of this variant in disease. Therefore, it has been classified as a Variant of Uncertain Significance.

Blueprint Genetics
Classification: Likely pathogenic for CASR-related disorders. Last evaluated: 2019-09-11. Review status: criteria provided, single submitter. Criteria: ACMG Guidelines, 2015. Collection method: clinical testing. Allele origin: germline. Affected: yes. Observed: 1 variant allele.

Literature cited by the submitters: PubMed 15591042 (cited by Labcorp Genetics (formerly Invitae), Labcorp); PubMed 34008892 (cited by Labcorp Genetics (formerly Invitae), Labcorp); PubMed 22798347 (cited by Labcorp Genetics (formerly Invitae), Labcorp).